The following is an entry in ClinVar:

ClinVar aggregate classification (germline): Uncertain significance (1 of 4 stars; one submission).

Conditions:
Neuronal ceroid lipofuscinosis 15. Also called: Neurodegeneration, childhood-onset, hypotonia, respiratory insufficiency and brain imaging abnormalities; Neurodegeneration, childhood-onset, with hypotonia, respiratory insufficiency, and brain imaging abnormalities. Identifiers: Orphanet 610573, MedGen C5543020, MONDO:0030947, OMIM 619173.

Allele frequency attached by ClinVar (database versions not stated): gnomAD exomes below 0.00001.
gnomAD v4.1: 1 of 1,614,020 alleles (0.000062%); highest among the groups gnomAD compares: East Asian, 0.0022%; no homozygotes.

Submission:

Laboratorio de Genetica e Diagnostico Molecular, Hospital Israelita Albert Einstein
Classification: Uncertain significance for Neuronal ceroid lipofuscinosis 15. Last evaluated: 2022-12-02. Review status: criteria provided, single submitter. Criteria: ACMG Guidelines, 2015. Collection method: clinical testing. Allele origin: germline. Affected: yes.
Comment: ACMG classification criteria: PM2 moderated, PP3 supporting

NM_001286.5(CLCN6):c.1696T>C (p.Trp566Arg)

Gene: CLCN6 (Cl-/H+ antiporter 6; plus strand). Cytogenetic location: 1p36.22.
Variant type: single nucleotide variant.
Coding change: c.1696T>C on transcript NM_001286.5 (MANE Select); coding-DNA position 1696, T replaced by C.
Protein change: p.Trp566Arg; replaces tryptophan 566 with arginine.
Molecular consequence: missense variant. On other transcripts: non-coding transcript variant (1).
Genome position (GRCh38, 1-based): chr1:11,834,493, T>C. VCF-style: chr1-11834493-T-C. GRCh37 (hg19) VCF-style: chr1-11894550-T-C.
Other names: c.1630T>C, p.Trp544Arg (NM_001256959.2); short protein forms W544R, W566R.
Identifiers: ClinVar variation 2431570 (VCV002431570.2), dbSNP rs2523157665, ClinGen allele CA338436045.